The following is an entry in ClinVar:

NM_138711.6(PPARG):c.913G>C (p.Val305Leu)

Gene: PPARG (peroxisome proliferator activated receptor gamma; plus strand). Cytogenetic location: 3p25.2.
Variant type: single nucleotide variant.
Coding change: c.913G>C on transcript NM_138711.6 (MANE Select); coding-DNA position 913, G replaced by C.
Protein change: p.Val305Leu; replaces valine 305 with leucine.
Molecular consequence: missense variant. On other transcripts: intron variant (5).
Genome position (GRCh38, 1-based): chr3:12,416,887, G>C. VCF-style: chr3-12416887-G-C. GRCh37 (hg19) VCF-style: chr3-12458386-G-C.
Other names: c.913G>C, p.Val305Leu (NM_001354666.3, NM_001354667.3, NM_001374263.2 and 3 more transcripts); c.286G>C, p.Val96Leu (NM_001354669.2); c.1003G>C, p.Val335Leu (NM_015869.5); c.729+10806G>C (NM_001374261.3, NM_001374262.3, NM_001330615.4); c.653+10888G>C (NM_001374266.1); c.819+10806G>C (NM_001374265.1); short protein forms V335L, V96L, V305L.
Identifiers: ClinVar variation 436394 (VCV000436394.20), dbSNP rs139894525, ClinGen allele CA2258299.

ClinVar aggregate classification (germline): Conflicting classifications of pathogenicity. Review status: criteria provided, conflicting classifications (1 of 4 stars). 5 submissions from 5 submitters: Uncertain significance (1); Benign (1); Likely benign (2). 1 of the submissions does not count toward it. Last evaluated 2025-10-01.

Conditions:
Monogenic diabetes. Identifiers: Orphanet 183625, MedGen C3888631, MONDO:0015967.
PPARG-related disorder. Also called: PPARG-related condition; PPARG-related disorders.

Allele frequency attached by ClinVar (database versions not stated): gnomAD exomes 0.00022; ExAC 0.00026; 1000 Genomes Project 0.00080; 1000 Genomes Project 30x 0.00094; gnomAD 0.00118 and 0.00135; TOPMed 0.00136; ESP Exome Variant Server 0.00154.
gnomAD v4.1: 355 of 1,614,118 alleles (0.022%); highest among the groups gnomAD compares: African/African-American, 0.42%; no homozygotes.

Submissions (5):

Labcorp Genetics (formerly Invitae), Labcorp
Classification: Benign. Last evaluated: 2025-10-01. Review status: criteria provided, single submitter. Criteria: Invitae Variant Classification Sherloc (09022015). Collection method: clinical testing. Allele origin: germline.

Blueprint Genetics
Classification: Likely benign. Last evaluated: 2024-08-28. Review status: criteria provided, single submitter. Criteria: ACMG Guidelines, 2015. Collection method: clinical testing. Allele origin: germline.

Personalized Diabetes Medicine Program, University of Maryland School of Medicine
Classification: Uncertain significance for Monogenic diabetes. Last evaluated: 2018-10-12. Review status: criteria provided, single submitter. Criteria: ACMG Guidelines, 2015. Collection method: research. Allele origin: unknown. Observed: 1 variant allele, 1 heterozygote.
Comment: ACMG criteria: BS1 (MAF in gnomAD African 0.4%)= VUS; Variant within Ligand binding domain (PMID:19748282 + PDB) but don't think we can say "without benign variation" here [REVEL 0.288 + PP3/6 predictors + BP4/5 predictors= conflicting evidence, not using]

Genetic Services Laboratory, University of Chicago
Classification: Likely benign. Last evaluated: 2016-08-08. Review status: criteria provided, single submitter. Criteria: ACMG Guidelines, 2015. Collection method: clinical testing. Allele origin: germline. Affected: no.

PreventionGenetics, part of Exact Sciences
Classification: Likely benign for PPARG-related condition. Last evaluated: 2022-01-24. Review status: no assertion criteria provided. Collection method: clinical testing. Allele origin: germline. Not counted in ClinVar's aggregate classification.
Comment: This variant is classified as likely benign based on ACMG/AMP sequence variant interpretation guidelines (Richards et al. 2015 PMID: 25741868, with internal and published modifications).

Literature cited by the submitters: PubMed 19748282 (cited by Personalized Diabetes Medicine Program, University of Maryland School of Medicine).